The following is an entry in ClinVar:

NM_001385641.1(SAMD11):c.1591C>A (p.Leu531Met)

Gene: SAMD11 (sterile alpha motif domain containing 11; plus strand). Cytogenetic location: 1p36.33.
Variant type: single nucleotide variant.
Coding change: c.1591C>A on transcript NM_001385641.1 (MANE Select); coding-DNA position 1591, C replaced by A.
Protein change: p.Leu531Met; replaces leucine 531 with methionine.
Molecular consequence: missense variant.
Genome position (GRCh38, 1-based): chr1:942,596, C>A. VCF-style: chr1-942596-C-A. GRCh37 (hg19) VCF-style: chr1-877976-C-A.
Other names: c.1594C>A, p.Leu532Met (NM_001385640.1); c.1102C>A, p.Leu368Met (NM_152486.4); short protein forms L368M, L531M, L532M.
Identifiers: ClinVar variation 1900981 (VCV001900981.4), dbSNP rs1353595929, ClinGen allele CA337808155.
Genomic context (GRCh38, chr1:942,596, plus strand): 5'-ACCCGCGTCTGCCCCCGGCCCAGGCTGGAGCTGCCCGCCGACCTCCTGCGGCAGAAGGAG[C>A]TGGAGAGCGCGCGCCCACAGCTGCTGGCGCCCGAGACCGCCCTGCGCCCCAACGACGGCG-3'
Protein context (NP_001372570.1, residues 521-541): LPADLLRQKE[Leu531Met]ESARPQLLAP

ClinVar aggregate classification (germline): Uncertain significance (1 of 4 stars; one submission).

gnomAD v4.1: 1 of 1,434,556 alleles (0.00007%); highest among the groups gnomAD compares: Non-Finnish European, 0.000091%; no homozygotes.

Submission:

Labcorp Genetics (formerly Invitae), Labcorp
Classification: Uncertain significance. Last evaluated: 2023-10-04. Review status: criteria provided, single submitter. Criteria: Invitae Variant Classification Sherloc (09022015). Collection method: clinical testing. Allele origin: germline.
Comment: This sequence change replaces leucine, which is neutral and non-polar, with methionine, which is neutral and non-polar, at codon 368 of the SAMD11 protein (p.Leu368Met). This variant is not present in population databases (gnomAD no frequency). This variant has not been reported in the literature in individuals affected with SAMD11-related conditions. ClinVar contains an entry for this variant (Variation ID: 1900981). An algorithm developed to predict the effect of missense changes on protein structure and function (PolyPhen-2) suggests that this variant is likely to be disruptive. In summary, the available evidence is currently insufficient to determine the role of this variant in disease. Therefore, it has been classified as a Variant of Uncertain Significance.